The following is an entry in ClinVar:

ClinVar aggregate classification (germline): Uncertain significance (1 of 4 stars; one submission).

Conditions:
Autosomal recessive limb-girdle muscular dystrophy type 2D (LGMDR3). Also called: DUCHENNE-LIKE AUTOSOMAL RECESSIVE MUSCULAR DYSTROPHY, TYPE 2; ADHALINOPATHY, PRIMARY; MUSCULAR DYSTROPHY, LIMB-GIRDLE, AUTOSOMAL RECESSIVE 3. Identifiers: Orphanet 62, MedGen C2936332, MONDO:0011968, OMIM 608099. Disease mechanism: Affects gamma-sarcoglycan and also disrupts the integrity of the entire sarcoglycan complex..

Submission:

Labcorp Genetics (formerly Invitae), Labcorp
Classification: Uncertain significance for Autosomal recessive limb-girdle muscular dystrophy type 2D. Last evaluated: 2021-07-01. Review status: criteria provided, single submitter. Criteria: Invitae Variant Classification Sherloc (09022015). Collection method: clinical testing. Allele origin: germline.
Comment: A copy number gain of the genomic region encompassing the full coding sequence of the SGCA gene has been identified. The boundaries of this event are unknown as they extend beyond the assayed region for this gene and therefore may encompass additional genes. As the precise location of this event is unknown, it may be in tandem or it may be located elsewhere in the genome. Isolated whole-gene copy number gains of SGCA have not been reported in the literature. However, larger copy number events that include this gene have been reported (PMID: 25106685). Experimental studies and prediction algorithms are not available or were not evaluated, and the functional significance of this variant is currently unknown. In summary, the available evidence is currently insufficient to determine the role of this variant in disease. Therefore, it has been classified as a Variant of Uncertain Significance.

Literature cited by the submitters: PubMed 25106685.

NC_000017.10:g.(?_48243402)_(48278874_?)dup

Genes: COL1A1 (collagen type I alpha 1 chain; minus strand), SGCA (sarcoglycan alpha; plus strand). Cytogenetic location: 17q21.33.
Variant type: Duplication.
Identifiers: ClinVar variation 1371778 (VCV001371778.5).